The following is an entry in ClinVar:

ClinVar aggregate classification (germline): Pathogenic/Likely pathogenic. Review status: criteria provided, multiple submitters, no conflicts (2 of 4 stars). 6 submissions from 6 submitters: Pathogenic (5); Likely pathogenic (1). Last evaluated 2025-09-09.

Conditions:
Pulmonary hypertension, neonatal, susceptibility to (PHN). Identifiers: MedGen C3714958, MONDO:0014151, OMIM 615371.
Congenital hyperammonemia, type I. Also called: Carbamoyl phosphate synthetase 1 deficiency; Hyperammonemia due to carbamoyl phosphate synthetase 1 deficiency; CPS 1 deficiency; Carbamyl phosphate synthetase (CPS) deficiency; Carbamoyl phosphate synthetase I deficiency disease; Carbamoyl-phosphate synthase I deficiency. Identifiers: Orphanet 147, MedGen C4082171, MONDO:0009376, OMIM 237300.

Allele frequency attached by ClinVar (database versions not stated): gnomAD 0.00001; TOPMed 0.00001; gnomAD exomes 0.00002; ExAC 0.00003.
gnomAD v4.1: 23 of 1,612,086 alleles (0.0014%); highest among the groups gnomAD compares: South Asian, 0.0033%; no homozygotes.

Submissions (6):

Natera, Inc.
Classification: Pathogenic for Carbamoyl-phosphate synthase I deficiency. Last evaluated: 2025-09-09. Review status: criteria provided, single submitter. Criteria: Natera Variant Classification Schema (03/2026). Collection method: clinical testing. Allele origin: germline.
Comment: The c.2339G>A variant in CPS1 is a missense variant predicted to cause substitution of arginine to histidine at amino acid 780. This variant is rare in the general population with a frequency below the threshold expected for the associated phenotype(s). This variant has been observed in one or more individuals affected with the associated recessive disease, as either homozygous or compound heterozygous with a second variant (PMID: 33611823, 22575620, 28526534). Given the available evidence, this variant is classified as Pathogenic.

Baylor Genetics
Classification: Pathogenic for Pulmonary hypertension, neonatal, susceptibility to. Last evaluated: 2024-02-01. Review status: criteria provided, single submitter. Criteria: ACMG Guidelines, 2015. Collection method: clinical testing. Allele origin: unknown.

Labcorp Genetics (formerly Invitae), Labcorp
Classification: Pathogenic for Congenital hyperammonemia, type I. Last evaluated: 2023-12-22. Review status: criteria provided, single submitter. Criteria: Invitae Variant Classification Sherloc (09022015). Collection method: clinical testing. Allele origin: germline.
Comment: This sequence change replaces arginine, which is basic and polar, with histidine, which is basic and polar, at codon 780 of the CPS1 protein (p.Arg780His). This variant is present in population databases (rs758724746, gnomAD 0.003%). This missense change has been observed in individual(s) with CPS1-related conditions (PMID: 17310273, 22575620, 27436290, 28526534, 30285816). In at least one individual the data is consistent with being in trans (on the opposite chromosome) from a pathogenic variant. ClinVar contains an entry for this variant (Variation ID: 372747). Advanced modeling of protein sequence and biophysical properties (such as structural, functional, and spatial information, amino acid conservation, physicochemical variation, residue mobility, and thermodynamic stability) has been performed at Invitae for this missense variant, however the output from this modeling did not meet the statistical confidence thresholds required to predict the impact of this variant on CPS1 protein function. For these reasons, this variant has been classified as Pathogenic.

Women's Health and Genetics/Laboratory Corporation of America, LabCorp
Classification: Pathogenic for Congenital hyperammonemia, type I. Last evaluated: 2023-08-11. Review status: criteria provided, single submitter. Criteria: LabCorp Variant Classification Summary - May 2015. Collection method: clinical testing. Allele origin: germline.
Comment: Variant summary: CPS1 c.2339G>A (p.Arg780His) results in a non-conservative amino acid change in the encoded protein sequence. Five of five in-silico tools predict a damaging effect of the variant on protein function. The variant allele was found at a frequency of 1.6e-05 in 250850 control chromosomes (gnomAD). c.2339G>A has been reported in the literature as a biallelic genotype in multiple individuals affected with Carbamoylphosphate Synthetase I Deficiency (e.g. Kurokawa_2007, Kretz_2012, Xu_2020, Makris_2021). These data indicate that the variant is very likely to be associated with disease. The following publications have been ascertained in the context of this evaluation (PMID: 22575620, 17310273, 33309754, 32537019). Three ClinVar submitters have assessed the variant since 2014: one classified the variant as likely pathogenic and two as pathogenic. Based on the evidence outlined above, the variant was classified as pathogenic.

3billion
Classification: Pathogenic for Congenital hyperammonemia, type I. Last evaluated: 2021-10-02. Review status: criteria provided, single submitter. Criteria: ACMG Guidelines, 2015. Collection method: clinical testing. Allele origin: maternal. Affected: yes. Observed: 1 heterozygote.
Comment: Same nucleotide change resulting in same amino acid change has been previously reported (ClinVar ID: VCV000372747.2, PMID: 27436290, PS1). It is observed at an extremely low frequency in the gnomAD v2.1.1 dataset (total allele frequency: 0.0000159, PM2).The variant was observed in trans with a pathogenic variant (NM_001875.4:c.1529del) as compound heterozygous (3billion dataset, PM3). In silico tool predictions suggest damaging effect of the variant on gene or gene product (REVEL: 0.863, 3Cnet: 0.975, PP3). Patient's phenotype is considered compatible with Carbamoylphosphate synthetase I deficienc (3billion dataset, PP4). Therefore, this variant is classified as likely pathogenic according to the recommendation of ACMG/AMP guideline.

GeneDx
Classification: Likely pathogenic. Last evaluated: 2016-09-27. Review status: criteria provided, single submitter. Criteria: GeneDx Variant Classification (06012015). Collection method: clinical testing. Allele origin: germline. Affected: yes.
Comment: The R780H variant in the CPS1 gene has previously been reported in several unrelated individuals with carbamoylphosphate synthetase I (CPS1) deficiency in individuals who were homozygous for R780H or heterozygous for R780H and a second variant in the CPS1 gene (Kurokawa et al., 2007; Haberle et al., 2011; Kretz et al., 2012; Ciftci et al., 2016). The R780H variant was not observed in approximately 6,500 individuals of European and African American ancestry in the NHLBI Exome Sequencing Project, indicating it is not a common benign variant in these populations. The R780H variant is a conservative amino acid substitution, which is not likely to impact secondary protein structure as these residues share similar properties. This substitution occurs at a position that is conserved across species, and in silico analysis predicts this variant is probably damaging to the protein structure/function. Therefore, we interpret R780H to be a likely pathogenic variant.

Literature cited by the submitters: PubMed 33611823 (cited by Natera, Inc.); PubMed 22575620 (cited by 3 submitters); PubMed 28526534 (cited by Natera, Inc. and Labcorp Genetics (formerly Invitae), Labcorp); PubMed 17310273 (cited by Labcorp Genetics (formerly Invitae), Labcorp and Women's Health and Genetics/Laboratory Corporation of America, LabCorp); PubMed 27436290 (cited by Labcorp Genetics (formerly Invitae), Labcorp and 3billion); PubMed 30285816 (cited by Labcorp Genetics (formerly Invitae), Labcorp); PubMed 33309754 (cited by Women's Health and Genetics/Laboratory Corporation of America, LabCorp); PubMed 32537019 (cited by Women's Health and Genetics/Laboratory Corporation of America, LabCorp).

NM_001875.5(CPS1):c.2339G>A (p.Arg780His)

Gene: CPS1 (carbamoyl-phosphate synthase 1; plus strand). Cytogenetic location: 2q34.
Variant type: single nucleotide variant.
Coding change: c.2339G>A on transcript NM_001875.5 (MANE Select); coding-DNA position 2339, G replaced by A.
Protein change: p.Arg780His; replaces arginine 780 with histidine.
Molecular consequence: missense variant. On other transcripts: non-coding transcript variant (2).
Genome position (GRCh38, 1-based): chr2:210,608,507, G>A. VCF-style: chr2-210608507-G-A. GRCh37 (hg19) VCF-style: chr2-211473231-G-A.
Other names: c.2339G>A, p.Arg780His (NM_001122633.3, NM_001369257.1); c.2372G>A, p.Arg791His (NM_001369256.1); c.2339G>A (LRG_336t1); short protein forms R780H, R791H.
Identifiers: ClinVar variation 372747 (VCV000372747.12), dbSNP rs758724746, ClinGen allele CA2086609.